The following is an entry in ClinVar:

NM_001849.4(COL6A2):c.1045G>A (p.Gly349Arg)

Gene: COL6A2 (collagen type VI alpha 2 chain; plus strand). Cytogenetic location: 21q22.3.
Variant type: single nucleotide variant.
Coding change: c.1045G>A on transcript NM_001849.4 (MANE Select); coding-DNA position 1045, G replaced by A.
Protein change: p.Gly349Arg; replaces glycine 349 with arginine.
Molecular consequence: missense variant.
Genome position (GRCh38, 1-based): chr21:46,117,445, G>A. VCF-style: chr21-46117445-G-A. GRCh37 (hg19) VCF-style: chr21-47537359-G-A.
Other names: c.1045G>A, p.Gly349Arg (NM_058174.3, NM_058175.3); short protein forms G349R.
Identifiers: ClinVar variation 838289 (VCV000838289.10), dbSNP rs2078490056, ClinGen allele CA410527387.

ClinVar aggregate classification (germline): Uncertain significance (1 of 4 stars; one submission).

Conditions:
Bethlem myopathy 1A. Also called: MYOPATHY, BENIGN CONGENITAL, WITH CONTRACTURES; Bethlem Muscular Dystrophy; Bethlem myopathy 1. Identifiers: Orphanet 610, MedGen CN029274, MONDO:0024530, OMIM 158810.

Submission:

Labcorp Genetics (formerly Invitae), Labcorp
Classification: Uncertain significance for Bethlem myopathy 1A. Last evaluated: 2019-12-06. Review status: criteria provided, single submitter. Criteria: Invitae Variant Classification Sherloc (09022015). Collection method: clinical testing. Allele origin: germline.
Comment: Algorithms developed to predict the effect of missense changes on protein structure and function are either unavailable or do not agree on the potential impact of this missense change (SIFT: "Deleterious"; PolyPhen-2: "Probably Damaging"; Align-GVGD: "Class C15"). Glycine residues within the Gly-Xaa-Yaa repeats of the triple helix domain are required for the structure and stability of fibrillar collagens (PMID: 7695699, 8218237, 19344236). In COL6A2, missense variants at these glycine residues are significantly enriched in individuals with disease (PMID: 15689448, 24038877) compared to the general population (ExAC). In summary, the available evidence is currently insufficient to determine the role of this variant in disease. Therefore, it has been classified as a Variant of Uncertain Significance. This variant has not been reported in the literature in individuals with COL6A2-related conditions. This variant is not present in population databases (ExAC no frequency). This sequence change replaces glycine with arginine at codon 349 of the COL6A2 protein (p.Gly349Arg). The glycine residue is highly conserved and there is a moderate physicochemical difference between glycine and arginine.

Literature cited by the submitters: PubMed 7695699; PubMed 8218237; PubMed 19344236; PubMed 15689448; PubMed 24038877.